The following is an entry in ClinVar:

ClinVar aggregate classification (germline): Likely benign. Review status: criteria provided, multiple submitters, no conflicts (2 of 4 stars). 2 submissions from 2 submitters: Likely benign (2). Last evaluated 2024-02-24.

Conditions:
Charcot-Marie-Tooth disease axonal type 2P. Also called: Charcot-Marie-Tooth Neuropathy Type 2G; CHARCOT-MARIE-TOOTH DISEASE, AXONAL, TYPE 2G; CMT 2G; CHARCOT-MARIE-TOOTH NEUROPATHY, TYPE 2P. Identifiers: Orphanet 300319, Orphanet 99941, MedGen C3280797, MONDO:0013753, OMIM 614436.

Allele frequency attached by ClinVar (database versions not stated): gnomAD exomes 0.00002 and 0.00004; ExAC 0.00004; gnomAD 0.00004; ESP Exome Variant Server 0.00008.
gnomAD v4.1: 33 of 1,581,448 alleles (0.0021%); highest among the groups gnomAD compares: South Asian, 0.012%; no homozygotes.

Submissions (2):

Labcorp Genetics (formerly Invitae), Labcorp
Classification: Likely benign for Charcot-Marie-Tooth disease axonal type 2P. Last evaluated: 2024-02-24. Review status: criteria provided, single submitter. Criteria: Invitae Variant Classification Sherloc (09022015). Collection method: clinical testing. Allele origin: germline.

GeneDx
Classification: Likely benign. Last evaluated: 2016-12-02. Review status: criteria provided, single submitter. Criteria: GeneDx Variant Classification (06012015). Collection method: clinical testing. Allele origin: germline. Affected: yes.
Comment: This variant is considered likely benign or benign based on one or more of the following criteria: it is a conservative change, it occurs at a poorly conserved position in the protein, it is predicted to be benign by multiple in silico algorithms, and/or has population frequency not consistent with disease.

NM_001005373.4(LRSAM1):c.2047-15G>A

Gene: LRSAM1 (leucine rich repeat and sterile alpha motif containing 1; plus strand). Cytogenetic location: 9q34.11.
Variant type: single nucleotide variant.
Coding change: c.2047-15G>A on transcript NM_001005373.4 (MANE Select); 15 bases into the intron before coding-DNA position 2047, G replaced by A.
Molecular consequence: intron variant.
Genome position (GRCh38, 1-based): chr9:127,502,759, G>A. VCF-style: chr9-127502759-G-A. GRCh37 (hg19) VCF-style: chr9-130265038-G-A.
Other names: c.2047-15G>A (NM_138361.5, NM_001384142.1, NM_001005374.4); c.1948-15G>A (NM_001384143.1); c.1966-15G>A (NM_001190723.3); c.1258-15G>A (NM_001384144.1).
Identifiers: ClinVar variation 391449 (VCV000391449.5), dbSNP rs367860563, ClinGen allele CA5247256.